The following is an entry in ClinVar:

ClinVar aggregate classification (germline): Uncertain significance (1 of 4 stars; one submission).

Conditions:
Jeune thoracic dystrophy. Also called: Jeune syndrome; Infantile thoracic dystrophy; Thoracic pelvic phalangeal dystrophy; Jeune's syndrome; Chondroectodermal dysplasia-like syndrome; Short-rib thoracic dysplasia. Identifiers: Orphanet 474, MedGen C0265275, MONDO:0018770.

Allele frequency attached by ClinVar (database versions not stated): gnomAD exomes below 0.00001.
gnomAD v4.1: 1 of 1,613,914 alleles (0.000062%); highest among the groups gnomAD compares: Non-Finnish European, 0.000085%; no homozygotes.

Submission:

Labcorp Genetics (formerly Invitae), Labcorp
Classification: Uncertain significance for Jeune thoracic dystrophy. Last evaluated: 2022-07-06. Review status: criteria provided, single submitter. Criteria: Invitae Variant Classification Sherloc (09022015). Collection method: clinical testing. Allele origin: germline.
Comment: ClinVar contains an entry for this variant (Variation ID: 1355941). This variant has not been reported in the literature in individuals affected with IFT80-related conditions. This variant is not present in population databases (gnomAD no frequency). This sequence change falls in intron 8 of the IFT80 gene. It does not directly change the encoded amino acid sequence of the IFT80 protein. It affects a nucleotide within the consensus splice site. In summary, the available evidence is currently insufficient to determine the role of this variant in disease. Therefore, it has been classified as a Variant of Uncertain Significance. Variants that disrupt the consensus splice site are a relatively common cause of aberrant splicing (PMID: 17576681, 9536098). Algorithms developed to predict the effect of sequence changes on RNA splicing suggest that this variant may disrupt the consensus splice site.

Literature cited by the submitters: PubMed 17576681; PubMed 9536098.

NM_020800.3(IFT80):c.777+5G>A

Genes: IFT80 (intraflagellar transport 80; minus strand), TRIM59-IFT80 (TRIM59-IFT80 readthrough (NMD candidate); minus strand). Cytogenetic location: 3q25.33.
Variant type: single nucleotide variant.
Coding change: c.777+5G>A on transcript NM_020800.3 (MANE Select); 5 bases into the intron after coding-DNA position 777, G replaced by A.
Molecular consequence: intron variant.
Genome position (GRCh38, 1-based): chr3:160,356,008, C>T on the plus strand (G>A on the coding strand, the complement: IFT80 is on the minus strand). VCF-style: chr3-160356008-C-T. GRCh37 (hg19) VCF-style: chr3-160073796-C-T.
Other names: c.366+5G>A (NM_001190241.2, NM_001190242.2).
Identifiers: ClinVar variation 1355941 (VCV001355941.7), dbSNP rs2108360069, ClinGen allele CA2573136700.